The following is an entry in ClinVar:

NM_001142800.2(EYS):c.3309C>A (p.Cys1103Ter)

Gene: EYS (EGF-like photoreceptor maintenance factor; minus strand). Cytogenetic location: 6q12.
Variant type: single nucleotide variant.
Coding change: c.3309C>A on transcript NM_001142800.2 (MANE Select); coding-DNA position 3309, C replaced by A.
Protein change: p.Cys1103Ter; replaces cysteine 1103 with a stop codon.
Molecular consequence: nonsense.
Genome position (GRCh38, 1-based): chr6:64,813,512, G>T on the plus strand (C>A on the coding strand, the complement: EYS is on the minus strand). VCF-style: chr6-64813512-G-T. GRCh37 (hg19) VCF-style: chr6-65523405-G-T.
Other names: c.3309C>A (NM_001142800.1); c.3309C>A, p.Cys1103Ter (NM_001292009.2); short protein forms C1103*.
Identifiers: ClinVar variation 3241487 (VCV003241487.3), dbSNP rs2533145178.
Genomic context (GRCh38, chr6:64,813,512, plus strand): 5'-CTCAGCACAATTATCAATGCTTTTTTCACAGTATGCACCAGTGTATCCACGTGGGCAAAT[G>T]CAAGTAAATCCATGTGCTGACTTCTGACAGAAGCCTTCATTCATACAAGGGATTGATGTG-3'

ClinVar aggregate classification (germline): Likely pathogenic. Review status: criteria provided, multiple submitters, no conflicts (2 of 4 stars). 3 submissions from 3 submitters: Likely pathogenic (3). Last evaluated 2025-10-29.

Conditions:
EYS-related disorder. Also called: EYS-related condition.
Retinitis pigmentosa 25 (RP25). Identifiers: Orphanet 791, MedGen C1864446, MONDO:0011272, OMIM 602772.

Allele frequency attached by ClinVar (database versions not stated): gnomAD exomes below 0.00001.
gnomAD v4.1: 2 of 1,550,520 alleles (0.00013%); highest among the groups gnomAD compares: African/African-American, 0.0014%; no homozygotes.

Submissions (3):

Natera, Inc.
Classification: Likely pathogenic for Retinitis pigmentosa type 25. Last evaluated: 2025-10-29. Review status: criteria provided, single submitter. Criteria: Natera Variant Classification Schema (03/2026). Collection method: clinical testing. Allele origin: germline.
Comment: The c.3309C>A variant in EYS is a nonsense variant predicted to introduce a stop codon at amino acid 1103. This variant is expected to result in nonsense mediated decay, truncation, or a dysfunctional protein product. This variant is rare in the general population with a frequency below the threshold expected for the associated phenotype(s). Given the available evidence, this variant is classified as Likely Pathogenic.

Baylor Genetics
Classification: Likely pathogenic for Retinitis pigmentosa 25. Last evaluated: 2024-03-16. Review status: criteria provided, single submitter. Criteria: ACMG Guidelines, 2015. Collection method: clinical testing. Allele origin: unknown.

Blueprint Genetics
Classification: Likely pathogenic for EYS-related disorders. Last evaluated: 2023-10-24. Review status: criteria provided, single submitter. Criteria: ACMG Guidelines, 2015. Collection method: clinical testing. Allele origin: germline. Affected: yes. Observed: 1 variant allele.